The following is an entry in ClinVar:

ClinVar aggregate classification (germline): Uncertain significance (1 of 4 stars; one submission).

Conditions:
Early-onset Parkinson disease 20. Also called: PARKINSON DISEASE 20, AUTOSOMAL RECESSIVE EARLY-ONSET. Identifiers: Orphanet 391411, MedGen C3809824, MONDO:0014233, OMIM 615530.
Developmental and epileptic encephalopathy, 53. Also called: Epileptic encephalopathy, early infantile, 53. Identifiers: MedGen C4479313, MONDO:0033362, OMIM 617389.

Submission:

Labcorp Genetics (formerly Invitae), Labcorp
Classification: Uncertain significance for Developmental and epileptic encephalopathy, 53; Early-onset Parkinson disease 20. Last evaluated: 2024-11-18. Review status: criteria provided, single submitter. Criteria: Invitae Variant Classification Sherloc (09022015). Collection method: clinical testing. Allele origin: germline.
Comment: This sequence change replaces glutamine, which is neutral and polar, with histidine, which is basic and polar, at codon 355 of the SYNJ1 protein (p.Gln355His). This variant also falls at the last nucleotide of exon 8, which is part of the consensus splice site for this exon. This variant is not present in population databases (gnomAD no frequency). This variant has not been reported in the literature in individuals affected with SYNJ1-related conditions. ClinVar contains an entry for this variant (Variation ID: 1009571). An algorithm developed to predict the effect of missense changes on protein structure and function (PolyPhen-2) suggests that this variant is likely to be disruptive. Variants that disrupt the consensus splice site are a relatively common cause of aberrant splicing (PMID: 17576681, 9536098). In summary, the available evidence is currently insufficient to determine the role of this variant in disease. Therefore, it has been classified as a Variant of Uncertain Significance.

Literature cited by the submitters: PubMed 17576681; PubMed 9536098.

NM_203446.3(SYNJ1):c.948G>C (p.Gln316His)

Gene: SYNJ1 (synaptojanin 1; minus strand). Cytogenetic location: 21q22.11.
Variant type: single nucleotide variant.
Coding change: c.948G>C on transcript NM_203446.3 (MANE Select); coding-DNA position 948, G replaced by C.
Protein change: p.Gln316His; replaces glutamine 316 with histidine.
Molecular consequence: missense variant.
Genome position (GRCh38, 1-based): chr21:32,686,978, C>G on the plus strand (G>C on the coding strand, the complement: SYNJ1 is on the minus strand). VCF-style: chr21-32686978-C-G. GRCh37 (hg19) VCF-style: chr21-34059288-C-G.
Other names: c.948G>C, p.Gln316His (NM_001160302.2, NM_001160306.2); c.1065G>C, p.Gln355His (NM_003895.4); short protein forms Q316H, Q355H.
Identifiers: ClinVar variation 1009571 (VCV001009571.9), dbSNP rs1569093889, ClinGen allele CA410093434.